The following is an entry in ClinVar:

NM_004273.5(CHST3):c.316G>A (p.Ala106Thr)

Gene: CHST3 (carbohydrate sulfotransferase 3; plus strand). Cytogenetic location: 10q22.1.
Variant type: single nucleotide variant.
Coding change: c.316G>A on transcript NM_004273.5 (MANE Select); coding-DNA position 316, G replaced by A.
Protein change: p.Ala106Thr; replaces alanine 106 with threonine.
Molecular consequence: missense variant.
Genome position (GRCh38, 1-based): chr10:72,007,347, G>A. VCF-style: chr10-72007347-G-A. GRCh37 (hg19) VCF-style: chr10-73767105-G-A.
Other names: short protein forms A106T.
Identifiers: ClinVar variation 2194067 (VCV002194067.4), dbSNP rs377655915, ClinGen allele CA5548061.

ClinVar aggregate classification (germline): Uncertain significance. Review status: criteria provided, multiple submitters, no conflicts (2 of 4 stars). 2 submissions from 2 submitters: Uncertain significance (2). Last evaluated 2025-11-07.

Conditions:
Spondyloepiphyseal dysplasia with congenital joint dislocations (SEDCJD). Also called: Chondrodysplasia with Congenital Joint Dislocations, CHST3-Related. Identifiers: Orphanet 263463, MedGen C1837657, MONDO:0007738, OMIM 143095.

Allele frequency attached by ClinVar (database versions not stated): gnomAD exomes 0.00001; gnomAD 0.00003; TOPMed 0.00003; ESP Exome Variant Server 0.00008.
gnomAD v4.1: 9 of 1,608,370 alleles (0.00056%); highest among the groups gnomAD compares: Admixed American, 0.0034%; no homozygotes.

Submissions (2):

Dasa
Classification: Uncertain significance for Spondyloepiphyseal dysplasia with congenital joint dislocations. Last evaluated: 2025-11-07. Review status: criteria provided, single submitter. Criteria: DASA Assertion Criteria. Collection method: clinical testing. Allele origin: germline.
Comment: NM_004273.5(CHST3):c.316G>A (p.Ala106Thr) is a missense variant that results in the substitution of alanine with threonine. This variant is rare in population databases. The currently available literature and clinical evidence are not sufficient to establish a definitive association between this variant and the reported condition. Therefore, this variant is classified as a variant of uncertain significance.

Labcorp Genetics (formerly Invitae), Labcorp
Classification: Uncertain significance for Spondyloepiphyseal dysplasia with congenital joint dislocations. Last evaluated: 2022-05-19. Review status: criteria provided, single submitter. Criteria: Invitae Variant Classification Sherloc (09022015). Collection method: clinical testing. Allele origin: germline.
Comment: This variant has not been reported in the literature in individuals affected with CHST3-related conditions. This sequence change replaces alanine, which is neutral and non-polar, with threonine, which is neutral and polar, at codon 106 of the CHST3 protein (p.Ala106Thr). This variant is present in population databases (rs377655915, gnomAD 0.004%). Algorithms developed to predict the effect of missense changes on protein structure and function (SIFT, PolyPhen-2, Align-GVGD) all suggest that this variant is likely to be tolerated. In summary, the available evidence is currently insufficient to determine the role of this variant in disease. Therefore, it has been classified as a Variant of Uncertain Significance.